The following is an entry in ClinVar:

NM_012208.4(HARS2):c.184-41T>G

Gene: HARS2 (histidyl-tRNA synthetase 2, mitochondrial; plus strand). Cytogenetic location: 5q31.3.
Variant type: single nucleotide variant.
Coding change: c.184-41T>G on transcript NM_012208.4 (MANE Select); 41 bases into the intron before coding-DNA position 184, T replaced by G.
Molecular consequence: intron variant.
Genome position (GRCh38, 1-based): chr5:140,693,894, T>G. VCF-style: chr5-140693894-T-G. GRCh37 (hg19) VCF-style: chr5-140073479-T-G.
Other names: c.-27-41T>G (NM_001278732.2, NM_001363536.2); c.202-41T>G (NM_001363535.2); c.109-41T>G (NM_001278731.2).
Identifiers: ClinVar variation 675851 (VCV000675851.2), dbSNP rs12513490, ClinGen allele CA3444328.

ClinVar aggregate classification (germline): Likely benign. Review status: criteria provided, multiple submitters, no conflicts (2 of 4 stars). 2 submissions from 2 submitters: Likely benign (2). Last evaluated 2018-06-14.

Allele frequency attached by ClinVar (database versions not stated): 1000 Genomes Project 30x 0.00141; 1000 Genomes Project 0.00180; gnomAD 0.00439 and 0.00446; ESP Exome Variant Server 0.00455; TOPMed 0.00466; ExAC 0.00499; gnomAD exomes 0.00549 and 0.00656.
gnomAD v4.1: 10,149 of 1,612,446 alleles (0.63%); highest among the groups gnomAD compares: Admixed American, 0.88%; 44 homozygotes.

Submissions (2):

GeneDx
Classification: Likely benign. Last evaluated: 2018-06-14. Review status: criteria provided, single submitter. Criteria: GeneDx Variant Classification (06012015). Collection method: clinical testing. Allele origin: germline. Affected: yes.
Comment: This variant is considered likely benign or benign based on one or more of the following criteria: it is a conservative change, it occurs at a poorly conserved position in the protein, it is predicted to be benign by multiple in silico algorithms, and/or has population frequency not consistent with disease.

Breakthrough Genomics
Classification: Likely benign. Review status: criteria provided, single submitter. Criteria: ACMG Guidelines, 2015. Collection method: not provided. Allele origin: germline. Inheritance: Autosomal recessive inheritance. Affected: yes.